The following is an entry in ClinVar:

NM_001244008.2(KIF1A):c.296C>T (p.Thr99Met)

Gene: KIF1A (kinesin family member 1A; minus strand). Cytogenetic location: 2q37.3.
Variant type: single nucleotide variant.
Coding change: c.296C>T on transcript NM_001244008.2 (MANE Select); coding-DNA position 296, C replaced by T.
Protein change: p.Thr99Met; replaces threonine 99 with methionine.
Molecular consequence: missense variant.
Genome position (GRCh38, 1-based): chr2:240,788,118, G>A on the plus strand (C>T on the coding strand, the complement: KIF1A is on the minus strand). VCF-style: chr2-240788118-G-A. GRCh37 (hg19) VCF-style: chr2-241727535-G-A.
Other names: c.296C>T, p.Thr99Met (NM_001320705.2, NM_001330289.2, NM_001330290.2 and 20 more transcripts); short protein forms T99M.
Identifiers: ClinVar variation 30169 (VCV000030169.32), dbSNP rs387906799, ClinGen allele CA212601.

ClinVar aggregate classification (germline): Pathogenic. Review status: criteria provided, multiple submitters, no conflicts (2 of 4 stars). 10 submissions from 10 submitters: Pathogenic (7). 3 of the submissions do not count toward it. Last evaluated 2025-04-16.

Conditions:
KIF1A-related disorder. Also called: KIF1A-related disorders; KIF1A-related condition.
PEHO syndrome (PEHO). Also called: PROGRESSIVE ENCEPHALOPATHY WITH EDEMA, HYPSARRHYTHMIA, AND OPTIC ATROPHY. Identifiers: Orphanet 2836, Orphanet 99807, MedGen C1850055, MONDO:0009841, OMIM 260565.
Hereditary spastic paraplegia 30. Identifiers: Orphanet 101010, MedGen C5235139, MONDO:0012476.
Neuropathy, hereditary sensory, type 2C. Also called: Hereditary sensory and autonomic neuropathy type IIC; KIF1A-Related HSAN2 (HSAN2C). Identifiers: Orphanet 970, MedGen C3280168, MONDO:0013634, OMIM 614213.
Intellectual disability, autosomal dominant 9 (NESCAVS). Also called: NESCAV SYNDROME; KIF1A-Related Neurodevelopmental Disorder. Identifiers: Orphanet 662367, MedGen C5393830, MONDO:0013656, OMIM 614255.

Submissions (10):

Labcorp Genetics (formerly Invitae), Labcorp
Classification: Pathogenic for Hereditary spastic paraplegia 30; Neuropathy, hereditary sensory, type 2C; Intellectual disability, autosomal dominant 9. Last evaluated: 2025-04-16. Review status: criteria provided, single submitter. Criteria: Invitae Variant Classification Sherloc (09022015). Collection method: clinical testing. Allele origin: germline.
Comment: This sequence change replaces threonine, which is neutral and polar, with methionine, which is neutral and non-polar, at codon 99 of the KIF1A protein (p.Thr99Met). This variant is not present in population databases (gnomAD no frequency). This missense change has been observed in individual(s) with KIF1A-related conditions (PMID: 21376300, 25253658, 25265257, 26125038, 26486474). In at least one individual the variant was observed to be de novo. ClinVar contains an entry for this variant (Variation ID: 30169). Invitae Evidence Modeling of protein sequence and biophysical properties (such as structural, functional, and spatial information, amino acid conservation, physicochemical variation, residue mobility, and thermodynamic stability) indicates that this missense variant is expected to disrupt KIF1A protein function with a positive predictive value of 95%. Experimental studies have shown that this missense change affects KIF1A function (PMID: 21376300, 25265257, 26125038). For these reasons, this variant has been classified as Pathogenic.

Molecular Medicine, University of Pavia
Classification: Pathogenic for Intellectual disability, autosomal dominant 9. Last evaluated: 2023-07-28. Review status: criteria provided, single submitter. Criteria: ACMG Guidelines, 2015. Collection method: research. Allele origin: de novo. Affected: yes. Observed: 1 variant allele.

GeneDx
Classification: Pathogenic. Last evaluated: 2022-12-31. Review status: criteria provided, single submitter. Criteria: GeneDx Variant Classification Process June 2021. Collection method: clinical testing. Allele origin: germline. Affected: yes.
Comment: Published functional studies demonstrate a damaging effect, impairing the ability of the protein to localize to distal aspects of neurites (Lee et al., 2015; Hamdan et al., 2011); In silico analysis, which includes protein predictors and evolutionary conservation, supports a deleterious effect; This variant is associated with the following publications: (PMID: 32737135, 26486474, 31785789, 21376300, 25253658, 25265257, 26125038, 32652677, 33753861, 33880452, 31069529, 21820098)

3billion
Classification: Pathogenic for Intellectual disability, autosomal dominant 9. Last evaluated: 2022-01-03. Review status: criteria provided, single submitter. Criteria: ACMG Guidelines, 2015. Collection method: clinical testing. Allele origin: germline. Affected: yes. Observed: 1 heterozygote.
Comment: The variant has been previously reported as de novo in a similarly affected individual (3billion dataset, PS2_S). Same nucleotide change resulting in same amino acid change has been previously reported as pathogenic/likely pathogenic with strong evidence (ClinVar ID: VCV000030169, PS1_S). In silico tool predictions suggest damaging effect of the variant on gene or gene product (REVEL: 0.933, 3CNET: 0.995, PP3_P). A missense variant is a common mechanism associated with NESCAV syndrome (PP2_P). It is observed at an extremely low frequency in the gnomAD v2.1.1 dataset (total allele frequency: 0.000000, PM2_M). Therefore, this variant is classified as pathogenic according to the recommendation of ACMG/AMP guideline.

Revvity Omics, Revvity
Classification: Pathogenic. Last evaluated: 2021-01-08. Review status: criteria provided, single submitter. Criteria: ACMG Guidelines, 2015. Collection method: clinical testing. Allele origin: germline.

Baylor Genetics
Classification: Pathogenic for Intellectual disability, autosomal dominant 9. Last evaluated: 2016-03-08. Review status: criteria provided, single submitter. Criteria: ACMG Guidelines, 2015. Collection method: clinical testing. Allele origin: de novo. Inheritance: Autosomal dominant inheritance. Affected: yes. Observed: 1 heterozygote.

Child and Family Research Institute
Classification: Pathogenic for PEHO syndrome. Last evaluated: 2015-08-06. Review status: criteria provided, single submitter. Criteria: ACMG Guidelines, 2015. Collection method: literature only. Allele origin: de novo. Affected: yes. Observed: 1 variant allele.

PreventionGenetics, part of Exact Sciences
Classification: Pathogenic for KIF1A-related condition. Last evaluated: 2024-03-05. Review status: no assertion criteria provided. Collection method: clinical testing. Allele origin: germline. Not counted in ClinVar's aggregate classification.
Comment: The KIF1A c.296C>T variant is predicted to result in the amino acid substitution p.Thr99Met. This variant has been reported as a recurrent de novo finding in individuals affected with autosomal dominant KIF1A related disorders (Hamdan et al. 2011. PubMed ID: 21376300; Okamoto et al. 2014. PubMed ID: 25253658; Langlois et al. 2016. PubMed ID: 26486474; Kaur et al. 2020. PubMed ID: 32652677; Nicita et al. 2020. PubMed ID: 32737135; Boyle et al. 2021. PubMed ID: 33880452; Paprocka et al. 2023. PubMed ID: 37239332). Functional studies have found this variant disrupts the ATP-binding site of the KIF1A motor domain, leading to a complete loss of motor function (Lee et al. 2015. PubMed ID: 25265257; Esmaeeli Nieh et al. 2015. PubMed ID: 26125038; Boyle et al. 2021. PubMed ID: 33880452). This variant has not been reported in a large population database, indicating this variant is rare. This variant is interpreted as pathogenic.

OMIM
Classification: Pathogenic for NESCAV SYNDROME. Last evaluated: 2014-11-01. Review status: no assertion criteria provided. Collection method: literature only. Allele origin: germline. Not counted in ClinVar's aggregate classification.

CHU Sainte-Justine Research Center, University of Montreal
Classification: Pathogenic for Mental retardation, autosomal dominant 9. Last evaluated: 2014-01-01. Review status: no assertion criteria provided. Collection method: research. Allele origin: de novo. Inheritance: Sporadic. Affected: yes. Observed: 2 variant alleles, 2 heterozygotes. Clinical features observed: intellectual disability, spastic paraparesis, axonal neuropathy, cerebellar atrophy, intractable epilepsy, ataxia, optic nerve atrophy. Not counted in ClinVar's aggregate classification.
Comment: de novo mutation seen in 2 unrelated patients with a similar phenotype

Literature cited by the submitters: PubMed 21376300 (cited by 3 submitters); PubMed 25253658 (cited by 3 submitters); PubMed 25265257 (cited by 4 submitters); PubMed 26125038 (cited by Labcorp Genetics (formerly Invitae), Labcorp and Child and Family Research Institute); PubMed 26486474 (cited by 3 submitters); Esmaeeli Nieh, S., Madou, M. R. Z., Sirajuddin, M., Fregeau, B., McKnight, D., Lexa, K., Strober, J., Spaeth, C., Hallinan, B. E., Smaoui, N., Pappas, J. G., Burrow, T. A., McDonald, M. T., Latibashvili, M., Leshinsky-Silver, E., Lev, D., Blumkin, L., Vale, R. D., Barkovich, A. J., Sherr, E. H. De novo mutations in KIF1A cause progressive encephalopathy and brain atrophy. Ann. Clin. Transl. Neurol. 2: 623-635, 2015. (cited by OMIM).